The following is an entry in ClinVar:

NM_003801.4(GPAA1):c.1134C>T (p.Val378=)

Gene: GPAA1 (glycosylphosphatidylinositol anchor attachment 1; plus strand). Cytogenetic location: 8q24.3.
Variant type: single nucleotide variant.
Coding change: c.1134C>T on transcript NM_003801.4 (MANE Select); coding-DNA position 1134, C replaced by T.
Protein change: p.Val378=; no amino-acid change (valine 378 retained).
Molecular consequence: synonymous variant.
Genome position (GRCh38, 1-based): chr8:144,084,845, C>T. VCF-style: chr8-144084845-C-T. GRCh37 (hg19) VCF-style: chr8-145139748-C-T.
Identifiers: ClinVar variation 716092 (VCV000716092.32), dbSNP rs73379191, ClinGen allele CA4933054.

ClinVar aggregate classification (germline): Benign/Likely benign. Review status: criteria provided, multiple submitters, no conflicts (2 of 4 stars). 2 submissions from 2 submitters: Benign (1); Likely benign (1). Last evaluated 2026-02-03.

Allele frequency attached by ClinVar (database versions not stated): gnomAD exomes 0.00042 and 0.00106; ExAC 0.00133; gnomAD 0.00386 and 0.00418; TOPMed 0.00424; 1000 Genomes Project 0.00459; 1000 Genomes Project 30x 0.00468; ESP Exome Variant Server 0.00469.
gnomAD v4.1: 1,211 of 1,613,612 alleles (0.075%); highest among the groups gnomAD compares: African/African-American, 1.4%; 4 homozygotes.

Submissions (2):

Labcorp Genetics (formerly Invitae), Labcorp
Classification: Benign. Last evaluated: 2026-02-03. Review status: criteria provided, single submitter. Criteria: Invitae Variant Classification Sherloc (09022015). Collection method: clinical testing. Allele origin: germline.

CeGaT Center for Human Genetics Tuebingen
Classification: Likely benign. Last evaluated: 2025-11-01. Review status: criteria provided, single submitter. Criteria: CeGaT Center For Human Genetics Tuebingen Variant Classification Criteria Version 2. Collection method: clinical testing. Allele origin: germline. Affected: yes. Observed: 2 variant alleles.
Comment: GPAA1: BP4, BP7, BS1